The following is an entry in ClinVar:

NM_199242.3(UNC13D):c.907C>T (p.His303Tyr)

Gene: UNC13D (unc-13 homolog D; minus strand). Cytogenetic location: 17q25.1.
Variant type: single nucleotide variant.
Coding change: c.907C>T on transcript NM_199242.3 (MANE Select); coding-DNA position 907, C replaced by T.
Protein change: p.His303Tyr; replaces histidine 303 with tyrosine.
Molecular consequence: missense variant.
Genome position (GRCh38, 1-based): chr17:75,840,062, G>A on the plus strand (C>T on the coding strand, the complement: UNC13D is on the minus strand). VCF-style: chr17-75840062-G-A. GRCh37 (hg19) VCF-style: chr17-73836143-G-A.
Other names: short protein forms H303Y.
Identifiers: ClinVar variation 1513477 (VCV001513477.6), dbSNP rs2064936586, ClinGen allele CA401107649.

ClinVar aggregate classification (germline): Uncertain significance. Review status: criteria provided, multiple submitters, no conflicts (2 of 4 stars). 2 submissions from 2 submitters: Uncertain significance (2). Last evaluated 2022-07-01.

Conditions:
Autoinflammatory syndrome. Identifiers: Orphanet 93665, MedGen C3890737, MONDO:0019751.
Familial hemophagocytic lymphohistiocytosis 3 (FHL3). Also called: UNC13D-Related Familial Hemophagocytic Lymphohistiocytosis (UNC13D-fHLH). Identifiers: Orphanet 540, MedGen C1837174, MONDO:0012146, OMIM 608898.

Submissions (2):

Labcorp Genetics (formerly Invitae), Labcorp
Classification: Uncertain significance for Familial hemophagocytic lymphohistiocytosis 3. Last evaluated: 2022-07-01. Review status: criteria provided, single submitter. Criteria: Invitae Variant Classification Sherloc (09022015). Collection method: clinical testing. Allele origin: germline.
Comment: This sequence change replaces histidine, which is basic and polar, with tyrosine, which is neutral and polar, at codon 303 of the UNC13D protein (p.His303Tyr). This variant is not present in population databases (gnomAD no frequency). This variant has not been reported in the literature in individuals affected with UNC13D-related conditions. ClinVar contains an entry for this variant (Variation ID: 1513477). Algorithms developed to predict the effect of missense changes on protein structure and function are either unavailable or do not agree on the potential impact of this missense change (SIFT: "Not Available"; PolyPhen-2: "Possibly Damaging"; Align-GVGD: "Not Available"). Algorithms developed to predict the effect of sequence changes on RNA splicing suggest that this variant may create or strengthen a splice site. In summary, the available evidence is currently insufficient to determine the role of this variant in disease. Therefore, it has been classified as a Variant of Uncertain Significance.

Genome Diagnostics Laboratory, The Hospital for Sick Children
Classification: Uncertain significance for Autoinflammatory syndrome. Last evaluated: 2020-07-24. Review status: criteria provided, single submitter. Criteria: ACMG Guidelines, 2015. Collection method: clinical testing. Allele origin: germline. Affected: yes.